The following is an entry in ClinVar:

NM_001042492.3(NF1):c.2803_2804delinsT (p.Asn935fs)

Gene: NF1 (neurofibromin 1; plus strand). Cytogenetic location: 17q11.2.
Variant type: Indel.
Coding change: c.2803_2804delinsT on transcript NM_001042492.3 (MANE Select); coding-DNA positions 2803 to 2804, AA replaced by T.
Protein change: p.Asn935fs; shifts the reading frame from asparagine 935.
Molecular consequence: frameshift variant.
Genome position (GRCh38, 1-based): chr17:31,229,418-31,229,419, AA replaced by T. VCF-style: chr17-31229418-AA-T. GRCh37 (hg19) VCF-style: chr17-29556436-AA-T.
Other names: c.2803_2804delinsT, p.Asn935fs (NM_000267.4); short protein forms N935fs.
Identifiers: ClinVar variation 5005730 (VCV005005730.2).

ClinVar aggregate classification (germline): Pathogenic (1 of 4 stars; one submission).

Conditions:
Juvenile myelomonocytic leukemia (JMML). Also called: LEUKEMIA, JUVENILE MYELOMONOCYTIC, SOMATIC. Identifiers: Orphanet 86834, MedGen C0349639, MONDO:0011908, OMIM 607785, HP:0012209.
Neurofibromatosis-Noonan syndrome (NFNS). Also called: NEUROFIBROMATOSIS WITH NOONAN PHENOTYPE. Identifiers: Orphanet 638, MedGen C2931482, MONDO:0011035, OMIM 601321. Disease mechanism: loss of function.
Café-au-lait macules with pulmonary stenosis (WTSN). Also called: PULMONIC STENOSIS WITH CAFE-AU-LAIT SPOTS. Identifiers: MedGen C0553586, MONDO:0008672, OMIM 193520.
Neurofibromatosis, type 1 (NF1). Also called: Peripheral type neurofibromatosis; VON RECKLINGHAUSEN DISEASE; Neurofibromatosis, type I; NEUROFIBROMATOSIS, TYPE I, SOMATIC. Identifiers: Orphanet 636, MedGen C0027831, MONDO:0018975, OMIM 162200. Disease mechanism: loss of function.
Neurofibromatosis, familial spinal (FSNF). Identifiers: Orphanet 636, MedGen C1834235, MONDO:0008078, OMIM 162210. Disease mechanism: loss of function.

Submission:

Juno Genomics, Hangzhou Juno Genomics, Inc
Classification: Pathogenic for Neurofibromatosis, type 1; Juvenile myelomonocytic leukemia; Neurofibromatosis, familial spinal; Neurofibromatosis-Noonan syndrome; Café-au-lait macules with pulmonary stenosis. Review status: criteria provided, single submitter. Criteria: ACMG Guidelines, 2015. Collection method: clinical testing. Allele origin: germline.
Comment: Null variant in a gene where loss of function (LOF) is a known mechanism of disease.;Absent from controls (or at extremely low frequency if recessive) in Genome Aggregation Database.;Patient's phenotype or family history is highly specific for a disease with a single genetic etiology.